The following is an entry in ClinVar:

ClinVar aggregate classification (germline): Benign. Review status: criteria provided, multiple submitters, no conflicts (2 of 4 stars). 2 submissions from 2 submitters: Benign (2). Last evaluated 2018-01-13.

Conditions:
Hermansky-Pudlak syndrome 1 (HPS1). Also called: DELTA STORAGE POOL DISEASE. Identifiers: Orphanet 231500, Orphanet 79430, MedGen C2931875, MONDO:0008748, OMIM 203300.

Allele frequency attached by ClinVar (database versions not stated): gnomAD exomes 0.31034; gnomAD 0.35147 and 0.35554; TOPMed 0.36765; 1000 Genomes Project 30x 0.42895; 1000 Genomes Project 0.43091.
gnomAD v4.1: 53,971 of 152,186 alleles (35%); highest among the groups gnomAD compares: African/African-American, 51%; 10,592 homozygotes.

Submissions (2):

Illumina Laboratory Services, Illumina
Classification: Benign for Hermansky-Pudlak syndrome 1. Last evaluated: 2018-01-13. Review status: criteria provided, single submitter. Criteria: ICSL Variant Classification Criteria 13 December 2019. Collection method: clinical testing. Allele origin: germline.
Comment: This variant was observed in the ICSL laboratory as part of a predisposition screen in an ostensibly healthy population. It had not been previously curated by ICSL or reported in the Human Gene Mutation Database (HGMD: prior to June 1st, 2018), and was therefore a candidate for classification through an automated scoring system. Utilizing variant allele frequency, disease prevalence and penetrance estimates, and inheritance mode, an automated score was calculated to assess if this variant is too frequent to cause the disease. Based on the score and internal cut-off values, a variant classified as benign is not then subjected to further curation. The score for this variant resulted in a classification of benign for this disease.

Breakthrough Genomics
Classification: Benign. Review status: criteria provided, single submitter. Criteria: ACMG Guidelines, 2015. Collection method: not provided. Allele origin: germline. Inheritance: Autosomal recessive inheritance. Affected: yes.

NM_000195.5(HPS1):c.*1167G>A

Gene: HPS1 (HPS1 biogenesis of lysosomal organelles complex 3 subunit 1; minus strand). Cytogenetic location: 10q24.2.
Variant type: single nucleotide variant.
Coding change: c.*1167G>A on transcript NM_000195.5 (MANE Select); 1167 bases downstream of the stop codon, G replaced by A.
Molecular consequence: 3 prime UTR variant.
Genome position (GRCh38, 1-based): chr10:98,416,397, C>T on the plus strand (G>A on the coding strand, the complement: HPS1 is on the minus strand). VCF-style: chr10-98416397-C-T. GRCh37 (hg19) VCF-style: chr10-100176154-C-T.
Other names: c.*1167G>A (NM_001311345.2, NM_001322476.2, NM_001322477.2 and 10 more transcripts).
Identifiers: ClinVar variation 298311 (VCV000298311.6), dbSNP rs1061437, ClinGen allele CA10633027.